The following is an entry in ClinVar:

ClinVar aggregate classification (germline): Benign/Likely benign. Review status: criteria provided, multiple submitters, no conflicts (2 of 4 stars). 4 submissions from 4 submitters: Benign (2); Likely benign (2). Last evaluated 2025-06-01.

Conditions:
Polycystic kidney disease 2 (PKD2). Also called: POLYCYSTIC KIDNEY DISEASE, ADULT, TYPE II; POLYCYSTIC KIDNEY DISEASE 2 WITH OR WITHOUT POLYCYSTIC LIVER DISEASE; Polycystic Kidney Disease 2, Autosomal Dominant. Identifiers: MedGen C2751306, MONDO:0013131, OMIM 613095.
Autosomal dominant polycystic kidney disease. Identifiers: Orphanet 730, MedGen C0085413, MONDO:0004691.

Allele frequency attached by ClinVar (database versions not stated): 1000 Genomes Project 0.00080; 1000 Genomes Project 30x 0.00094.

Submissions (4):

Labcorp Genetics (formerly Invitae), Labcorp
Classification: Benign for Autosomal dominant polycystic kidney disease. Last evaluated: 2025-06-01. Review status: criteria provided, single submitter. Criteria: Invitae Variant Classification Sherloc (09022015). Collection method: clinical testing. Allele origin: germline.

Department of Pathology and Laboratory Medicine, Sinai Health System
Classification: Likely benign for Polycystic kidney disease 2. Last evaluated: 2022-05-19. Review status: criteria provided, single submitter. Criteria: ACMG Guidelines, 2015. Collection method: clinical testing. Allele origin: germline. Affected: yes.

Fulgent Genetics
Classification: Benign for Polycystic kidney disease 2. Last evaluated: 2021-11-08. Review status: criteria provided, single submitter. Criteria: ACMG Guidelines, 2015. Collection method: clinical testing. Allele origin: unknown.

GeneDx
Classification: Likely benign. Last evaluated: 2020-03-12. Review status: criteria provided, single submitter. Criteria: GeneDx Variant Classification Process June 2021. Collection method: clinical testing. Allele origin: germline. Affected: yes.
Comment: This variant is associated with the following publications: (PMID: 29321346)

NM_000297.4(PKD2):c.2164G>T (p.Val722Leu)

Gene: PKD2 (polycystin 2, transient receptor potential cation channel; plus strand). Cytogenetic location: 4q22.1.
Variant type: single nucleotide variant.
Coding change: c.2164G>T on transcript NM_000297.4 (MANE Select); coding-DNA position 2164, G replaced by T.
Protein change: p.Val722Leu; replaces valine 722 with leucine.
Molecular consequence: missense variant. On other transcripts: non-coding transcript variant (1).
Genome position (GRCh38, 1-based): chr4:88,065,419, G>T. VCF-style: chr4-88065419-G-T. GRCh37 (hg19) VCF-style: chr4-88986571-G-T.
Other names: short protein forms V722L.
Identifiers: ClinVar variation 1170795 (VCV001170795.13), dbSNP rs529945469, ClinGen allele CA3004152.